The following is an entry in ClinVar:

ClinVar aggregate classification (germline): Conflicting classifications of pathogenicity. Review status: criteria provided, conflicting classifications (1 of 4 stars). 5 submissions from 3 submitters: Uncertain significance (1); Benign (2); Likely benign (2). Last evaluated 2025-12-28.

Conditions:
Retinitis pigmentosa (RP). Identifiers: Orphanet 791, MedGen C0035334, MeSH D012174, MONDO:0019200, OMIM 268000. Inheritance: Autosomal dominant, autosomal recessive and X linked inheritance.
Autosomal dominant vitreoretinochoroidopathy. Also called: VITREORETINOCHOROIDOPATHY, AUTOSOMAL DOMINANT, WITH NANOPHTHALMOS; Autosomal Dominant Vitreoretinochoroidopathy (ADVIRC); VITREORETINOCHOROIDOPATHY WITH MICROCORNEA, GLAUCOMA, AND CATARACT. Identifiers: Orphanet 263347, Orphanet 3086, MedGen C3888099, MONDO:0008662, OMIM 193220.
Vitelliform macular dystrophy 2. Also called: Best Vitelliform Macular Dystrophy (BVMD); MACULAR DEGENERATION, POLYMORPHIC VITELLINE; VITELLIFORM MACULAR DYSTROPHY, EARLY-ONSET; VITELLIFORM MACULAR DYSTROPHY, JUVENILE-ONSET; Best Macular Dystrophy; Best vitelliform macular dystrophy, multifocal. Identifiers: Orphanet 1243, MedGen C2745945, MONDO:0007931, OMIM 153700.

Allele frequency attached by ClinVar (database versions not stated): gnomAD exomes 0.00009 and 0.00021; ExAC 0.00021; 1000 Genomes Project 0.00040; 1000 Genomes Project 30x 0.00047; gnomAD 0.00080 and 0.00088; ESP Exome Variant Server 0.00085; TOPMed 0.00099.
gnomAD v4.1: 253 of 1,614,032 alleles (0.016%); highest among the groups gnomAD compares: African/African-American, 0.32%; no homozygotes.

Submissions (5):

Labcorp Genetics (formerly Invitae), Labcorp
Classification: Benign. Last evaluated: 2025-12-28. Review status: criteria provided, single submitter. Criteria: Invitae Variant Classification Sherloc (09022015). Collection method: clinical testing. Allele origin: germline.

Blueprint Genetics
Classification: Likely benign. Last evaluated: 2023-10-26. Review status: criteria provided, single submitter. Criteria: ACMG Guidelines, 2015. Collection method: clinical testing. Allele origin: germline.

Illumina Laboratory Services, Illumina
Classification: Likely benign for Vitelliform macular dystrophy 2. Last evaluated: 2018-01-13. Review status: criteria provided, single submitter. Criteria: ICSL Variant Classification Criteria 13 December 2019. Collection method: clinical testing. Allele origin: germline.
Comment: This variant was observed in the ICSL laboratory as part of a predisposition screen in an ostensibly healthy population. It had not been previously curated by ICSL or reported in the Human Gene Mutation Database (HGMD: prior to June 1st, 2018), and was therefore a candidate for classification through an automated scoring system. Utilizing variant allele frequency, disease prevalence and penetrance estimates, and inheritance mode, an automated score was calculated to assess if this variant is too frequent to cause the disease. Based on the score and internal cut-off values, a variant classified as likely benign is not then subjected to further curation. The score for this variant resulted in a classification of likely benign for this disease.

Illumina Laboratory Services, Illumina
Classification: Uncertain significance for Retinitis pigmentosa. Last evaluated: 2018-01-13. Review status: criteria provided, single submitter. Criteria: ICSL Variant Classification Criteria 13 December 2019. Collection method: clinical testing. Allele origin: germline.

Illumina Laboratory Services, Illumina
Classification: Benign for Autosomal dominant vitreoretinochoroidopathy. Last evaluated: 2018-01-13. Review status: criteria provided, single submitter. Criteria: ICSL Variant Classification Criteria 13 December 2019. Collection method: clinical testing. Allele origin: germline.
Comment: This variant was observed in the ICSL laboratory as part of a predisposition screen in an ostensibly healthy population. It had not been previously curated by ICSL or reported in the Human Gene Mutation Database (HGMD: prior to June 1st, 2018), and was therefore a candidate for classification through an automated scoring system. Utilizing variant allele frequency, disease prevalence and penetrance estimates, and inheritance mode, an automated score was calculated to assess if this variant is too frequent to cause the disease. Based on the score and internal cut-off values, a variant classified as benign is not then subjected to further curation. The score for this variant resulted in a classification of benign for this disease.

NM_004183.4(BEST1):c.482-15C>T

Gene: BEST1 (bestrophin 1; plus strand). Cytogenetic location: 11q12.3.
Variant type: single nucleotide variant.
Coding change: c.482-15C>T on transcript NM_004183.4 (MANE Select); 15 bases into the intron before coding-DNA position 482, C replaced by T.
Molecular consequence: intron variant.
Genome position (GRCh38, 1-based): chr11:61,956,829, C>T. VCF-style: chr11-61956829-C-T. GRCh37 (hg19) VCF-style: chr11-61724301-C-T.
Other names: c.482-15C>T (NM_001363592.2, NM_001440571.1, NM_001440572.1 and 1 more transcripts); c.302-15C>T (NM_001139443.3, NM_001300787.2, NM_001440574.1 and 3 more transcripts); c.-694-15C>T (NM_001363593.3); c.164-15C>T (NM_001363591.3).
Identifiers: ClinVar variation 878549 (VCV000878549.13), dbSNP rs201010315, ClinGen allele CA6040764.